The following is an entry in ClinVar:

ClinVar aggregate classification (germline): Uncertain significance. Review status: criteria provided, multiple submitters, no conflicts (2 of 4 stars). 2 submissions from 2 submitters: Uncertain significance (2). Last evaluated 2025-12-01.

Conditions:
Primary ciliary dyskinesia. Also called: Ciliary dyskinesia. Identifiers: Orphanet 244, MedGen C0008780, MONDO:0016575, HP:0012265.

Allele frequency attached by ClinVar (database versions not stated): TOPMed below 0.00001; ExAC 0.00001; gnomAD 0.00001.
gnomAD v4.1: 17 of 1,613,542 alleles (0.0011%); highest among the groups gnomAD compares: Non-Finnish European, 0.0014%; no homozygotes.

Submissions (2):

CeGaT Center for Human Genetics Tuebingen
Classification: Uncertain significance. Last evaluated: 2025-12-01. Review status: criteria provided, single submitter. Criteria: CeGaT Center For Human Genetics Tuebingen Variant Classification Criteria Version 2. Collection method: clinical testing. Allele origin: germline. Affected: yes. Observed: 1 variant allele.
Comment: DRC1: PM2, BP4

Labcorp Genetics (formerly Invitae), Labcorp
Classification: Uncertain significance for Primary ciliary dyskinesia. Last evaluated: 2023-07-08. Review status: criteria provided, single submitter. Criteria: Invitae Variant Classification Sherloc (09022015). Collection method: clinical testing. Allele origin: germline.
Comment: This variant is present in population databases (rs774744171, gnomAD 0.002%). This sequence change replaces isoleucine, which is neutral and non-polar, with threonine, which is neutral and polar, at codon 103 of the DRC1 protein (p.Ile103Thr). This variant has not been reported in the literature in individuals affected with DRC1-related conditions. Algorithms developed to predict the effect of missense changes on protein structure and function output the following: SIFT: "Not Available"; PolyPhen-2: "Benign"; Align-GVGD: "Not Available". The threonine amino acid residue is found in multiple mammalian species, which suggests that this missense change does not adversely affect protein function. In summary, the available evidence is currently insufficient to determine the role of this variant in disease. Therefore, it has been classified as a Variant of Uncertain Significance.

NM_145038.5(DRC1):c.308T>C (p.Ile103Thr)

Gene: DRC1 (dynein regulatory complex subunit 1; plus strand). Cytogenetic location: 2p23.3.
Variant type: single nucleotide variant.
Coding change: c.308T>C on transcript NM_145038.5 (MANE Select); coding-DNA position 308, T replaced by C.
Protein change: p.Ile103Thr; replaces isoleucine 103 with threonine.
Molecular consequence: missense variant.
Genome position (GRCh38, 1-based): chr2:26,421,352, T>C. VCF-style: chr2-26421352-T-C. GRCh37 (hg19) VCF-style: chr2-26644220-T-C.
Other names: short protein forms I103T.
Identifiers: ClinVar variation 3001256 (VCV003001256.8), dbSNP rs774744171, ClinGen allele CA1561824.